The following is an entry in ClinVar:

NM_001105206.3(LAMA4):c.718+5A>G

Gene: LAMA4 (laminin subunit alpha 4; minus strand). Cytogenetic location: 6q21.
Variant type: single nucleotide variant.
Coding change: c.718+5A>G on transcript NM_001105206.3 (MANE Select); 5 bases into the intron after coding-DNA position 718, A replaced by G.
Molecular consequence: intron variant.
Genome position (GRCh38, 1-based): chr6:112,191,631, T>C on the plus strand (A>G on the coding strand, the complement: LAMA4 is on the minus strand). VCF-style: chr6-112191631-T-C. GRCh37 (hg19) VCF-style: chr6-112512833-T-C.
Other names: c.718+5A>G (NM_002290.5, NM_001105207.3).
Identifiers: ClinVar variation 1757539 (VCV001757539.4), dbSNP rs368440475, ClinGen allele CA3966077.
Genomic context (GRCh38, chr6:112,191,631, plus strand): 5'-TAAATTCAGTATTGGCAGAGGGTCATGCTGGCCAGGCAGCTGGCTTAGTATTTATGATAC[T>C]GCACCTGCACAGTTCTTGGCTATCCTGGCGTCCCCATAGTAGCCAGGAGCGCAACGTTCA-3'

ClinVar aggregate classification (germline): Uncertain significance. Review status: criteria provided, multiple submitters, no conflicts (2 of 4 stars). 2 submissions from 2 submitters: Uncertain significance (2). Last evaluated 2024-11-30.

Conditions:
Cardiovascular phenotype. Identifiers: MedGen CN230736.
Dilated cardiomyopathy 1JJ (CMD1JJ). Identifiers: Orphanet 154, MedGen C3808935, MONDO:0014095, OMIM 615235.

Allele frequency attached by ClinVar (database versions not stated): ExAC 0.00001; gnomAD 0.00001; TOPMed 0.00002; ESP Exome Variant Server 0.00008.
gnomAD v4.1: 5 of 1,607,698 alleles (0.00031%); highest among the groups gnomAD compares: African/African-American, 0.004%; no homozygotes.

Submissions (2):

Labcorp Genetics (formerly Invitae), Labcorp
Classification: Uncertain significance for Dilated cardiomyopathy 1JJ. Last evaluated: 2024-11-30. Review status: criteria provided, single submitter. Criteria: Invitae Variant Classification Sherloc (09022015). Collection method: clinical testing. Allele origin: germline.
Comment: This sequence change falls in intron 6 of the LAMA4 gene. It does not directly change the encoded amino acid sequence of the LAMA4 protein. It affects a nucleotide within the consensus splice site. This variant is present in population databases (rs368440475, gnomAD 0.01%). This variant has not been reported in the literature in individuals affected with LAMA4-related conditions. ClinVar contains an entry for this variant (Variation ID: 1757539). Variants that disrupt the consensus splice site are a relatively common cause of aberrant splicing (PMID: 17576681, 9536098). Algorithms developed to predict the effect of sequence changes on RNA splicing suggest that this variant is not likely to affect RNA splicing. In summary, the available evidence is currently insufficient to determine the role of this variant in disease. Therefore, it has been classified as a Variant of Uncertain Significance.

Ambry Genetics
Classification: Uncertain significance for Cardiovascular phenotype. Last evaluated: 2022-06-12. Review status: criteria provided, single submitter. Criteria: Ambry Variant Classification Scheme 2023. Collection method: clinical testing. Allele origin: germline.
Comment: The c.718+5A>G intronic variant results from an A to G substitution 5 nucleotides after coding exon 5 in the LAMA4 gene. This nucleotide position is not well conserved in available vertebrate species. In silico splice site analysis predicts that this alteration will not have any significant effect on splicing. The evidence for this gene-disease relationship is limited; therefore, the clinical significance of this alteration is unclear.

Literature cited by the submitters: PubMed 17576681 (cited by Labcorp Genetics (formerly Invitae), Labcorp); PubMed 9536098 (cited by Labcorp Genetics (formerly Invitae), Labcorp).